The following is an entry in ClinVar:

ClinVar aggregate classification (germline): Pathogenic (1 of 4 stars; one submission).

Submission:

Labcorp Genetics (formerly Invitae), Labcorp
Classification: Pathogenic. Last evaluated: 2020-06-23. Review status: criteria provided, single submitter. Criteria: Invitae Variant Classification Sherloc (09022015). Collection method: clinical testing. Allele origin: germline.
Comment: For these reasons, this variant has been classified as Pathogenic. Loss-of-function variants in CDHR1 are known to be pathogenic (PMID: 23044944, 23591405, 26103963, 26261414). This variant has not been reported in the literature in individuals with CDHR1-related conditions. This variant is a gross deletion of the genomic region encompassing exon(s) 1-6 of the CDHR1 gene, which includes the initiator codon. The 5' end of this event is unknown as it extends beyond the assayed region for this gene and therefore may encompass additional genes. The 3' boundary is likely confined to intron 6 of the CDHR1 gene. This is expected to result in an absent or disrupted protein product.

Literature cited by the submitters: PubMed 23044944; PubMed 23591405; PubMed 26103963; PubMed 26261414.

NC_000010.10:g.(?_85954517)_(85960443_?)del

Gene: CDHR1 (cadherin related family member 1; plus strand). Cytogenetic location: 10q23.1.
Variant type: Deletion.
Identifiers: ClinVar variation 1076765 (VCV001076765.5).